The following is an entry in ClinVar:

NM_001371986.1(UNC80):c.2479G>A (p.Ala827Thr)

Gene: UNC80 (unc-80 subunit of NALCN channel complex; plus strand). Cytogenetic location: 2q34.
Variant type: single nucleotide variant.
Coding change: c.2479G>A on transcript NM_001371986.1 (MANE Select); coding-DNA position 2479, G replaced by A.
Protein change: p.Ala827Thr; replaces alanine 827 with threonine.
Molecular consequence: missense variant.
Genome position (GRCh38, 1-based): chr2:209,829,232, G>A. VCF-style: chr2-209829232-G-A. GRCh37 (hg19) VCF-style: chr2-210693956-G-A.
Other names: c.2479G>A, p.Ala827Thr (NM_032504.2); c.2464G>A, p.Ala822Thr (NM_182587.4); short protein forms A827T, A822T.
Identifiers: ClinVar variation 1464508 (VCV001464508.6), dbSNP rs532893121, ClinGen allele CA2083028.

ClinVar aggregate classification (germline): Uncertain significance (1 of 4 stars; one submission).

Allele frequency attached by ClinVar (database versions not stated): gnomAD 0.00004 and 0.00005; gnomAD exomes 0.00004 and 0.00008; ExAC 0.00005; TOPMed 0.00005; 1000 Genomes Project 30x 0.00016; 1000 Genomes Project 0.00020.

Submission:

Labcorp Genetics (formerly Invitae), Labcorp
Classification: Uncertain significance. Last evaluated: 2025-12-21. Review status: criteria provided, single submitter. Criteria: Invitae Variant Classification Sherloc (09022015). Collection method: clinical testing. Allele origin: germline.
Comment: This sequence change replaces alanine, which is neutral and non-polar, with threonine, which is neutral and polar, at codon 827 of the UNC80 protein (p.Ala827Thr). This variant is present in population databases (rs532893121, gnomAD 0.007%). This variant has not been reported in the literature in individuals affected with UNC80-related conditions. ClinVar contains an entry for this variant (Variation ID: 1464508). An algorithm developed to predict the effect of missense changes on protein structure and function (PolyPhen-2) suggests that this variant is likely to be disruptive. In summary, the available evidence is currently insufficient to determine the role of this variant in disease. Therefore, it has been classified as a Variant of Uncertain Significance.